The following is an entry in ClinVar:

ClinVar aggregate classification (germline): Uncertain significance (1 of 4 stars; one submission).

Submission:

Labcorp Genetics (formerly Invitae), Labcorp
Classification: Uncertain significance. Last evaluated: 2022-08-23. Review status: criteria provided, single submitter. Criteria: Invitae Variant Classification Sherloc (09022015). Collection method: clinical testing. Allele origin: germline.
Comment: Advanced modeling of protein sequence and biophysical properties (such as structural, functional, and spatial information, amino acid conservation, physicochemical variation, residue mobility, and thermodynamic stability) performed at Invitae indicates that this missense variant is not expected to disrupt CSF1R protein function. This variant has not been reported in the literature in individuals affected with CSF1R-related conditions. This variant is not present in population databases (gnomAD no frequency). This sequence change replaces threonine, which is neutral and polar, with lysine, which is basic and polar, at codon 507 of the CSF1R protein (p.Thr507Lys). In summary, the available evidence is currently insufficient to determine the role of this variant in disease. Therefore, it has been classified as a Variant of Uncertain Significance.

NM_001288705.3(CSF1R):c.1520C>A (p.Thr507Lys)

Gene: CSF1R (colony stimulating factor 1 receptor; minus strand). Cytogenetic location: 5q32.
Variant type: single nucleotide variant.
Coding change: c.1520C>A on transcript NM_001288705.3 (MANE Select); coding-DNA position 1520, C replaced by A.
Protein change: p.Thr507Lys; replaces threonine 507 with lysine.
Molecular consequence: missense variant. On other transcripts: non-coding transcript variant (2).
Genome position (GRCh38, 1-based): chr5:150,068,321, G>T on the plus strand (C>A on the coding strand, the complement: CSF1R is on the minus strand). VCF-style: chr5-150068321-G-T. GRCh37 (hg19) VCF-style: chr5-149447884-G-T.
Other names: c.1520C>A, p.Thr507Lys (NM_001349736.2, NM_001375320.1, NM_005211.4); c.1076C>A, p.Thr359Lys (NM_001375321.1); short protein forms T359K, T507K.
Identifiers: ClinVar variation 1717857 (VCV001717857.5), dbSNP rs538359948, ClinGen allele CA361718479.
Genomic context (GRCh38, chr5:150,068,321, plus strand): 5'-GCCATGATGGACATGCAGGCGACCACCACTGGTGTGAAGAGGAACTCATCCGGGGGATGC[G>T]TGTGGGCTCCTGGAAGGCATGAAGCAAAGCAGTGAGCAGGCAGGGGTGCCTCCGAGCCCC-3'
Protein context (NP_001275634.1, residues 497-517): AFIPISAGAH[Thr507Lys]HPPDEFLFTP